The following is an entry in ClinVar:

NM_030662.4(MAP2K2):c.580+5G>C

Gene: MAP2K2 (mitogen-activated protein kinase kinase 2; minus strand). Cytogenetic location: 19p13.3.
Variant type: single nucleotide variant.
Coding change: c.580+5G>C on transcript NM_030662.4 (MANE Select); 5 bases into the intron after coding-DNA position 580, G replaced by C.
Molecular consequence: intron variant.
Genome position (GRCh38, 1-based): chr19:4,101,224, C>G on the plus strand (G>C on the coding strand, the complement: MAP2K2 is on the minus strand). VCF-style: chr19-4101224-C-G. GRCh37 (hg19) VCF-style: chr19-4101222-C-G.
Identifiers: ClinVar variation 2196119 (VCV002196119.4), dbSNP rs886041663, ClinGen allele CA2580096993.
Genomic context (GRCh38, chr19:4,101,224, plus strand): 5'-GTGAGGGGCGCCCAACAGTTGCCTGCCGGCCCCCGGGGCTCTGGGGAGGGCGGGCTGGGC[C>G]TTACCTCGGTGCATGATCTGGTGCTTCTCTCGGAGGTACGCCAAGCCCCGGAGAACCTGC-3'

ClinVar aggregate classification (germline): Uncertain significance (1 of 4 stars; one submission).

Conditions:
RASopathy. Also called: Noonan spectrum disorder; rasopathies. Identifiers: Orphanet 536391, MedGen C5555857, MONDO:0021060.

Submission:

Labcorp Genetics (formerly Invitae), Labcorp
Classification: Uncertain significance for RASopathy. Last evaluated: 2024-07-30. Review status: criteria provided, single submitter. Criteria: Invitae Variant Classification Sherloc (09022015). Collection method: clinical testing. Allele origin: germline.
Comment: This sequence change falls in intron 5 of the MAP2K2 gene. It does not directly change the encoded amino acid sequence of the MAP2K2 protein. It affects a nucleotide within the consensus splice site. This variant is not present in population databases (gnomAD no frequency). This variant has not been reported in the literature in individuals affected with MAP2K2-related conditions. ClinVar contains an entry for this variant (Variation ID: 2196119). Variants that disrupt the consensus splice site are a relatively common cause of aberrant splicing (PMID: 17576681, 9536098). Algorithms developed to predict the effect of sequence changes on RNA splicing suggest that this variant is not likely to affect RNA splicing. In summary, the available evidence is currently insufficient to determine the role of this variant in disease. Therefore, it has been classified as a Variant of Uncertain Significance.

Literature cited by the submitters: PubMed 17576681; PubMed 9536098.